The following is an entry in ClinVar:

ClinVar aggregate classification (germline): Uncertain significance (1 of 4 stars; one submission).

Conditions:
RFX4-related disorder. Also called: RFX4-related condition.

Submission:

3billion
Classification: Uncertain significance for RFX4-related disorder. Last evaluated: 2025-10-15. Review status: criteria provided, single submitter. Criteria: ACMG Guidelines, 2015. Collection method: clinical testing. Allele origin: germline. Affected: yes.
Comment: The variant is not observed in the gnomAD v4.1.0 dataset. Predicted Consequence/Location: Missense variant Therefore, this variant is classified as VUS according to the recommendation of ACMG/AMP guideline.

NM_213594.3(RFX4):c.229A>G (p.Ile77Val)

Genes: RFX4 (regulatory factor X4; plus strand), RFX4-AS1 (RFX4 antisense RNA 1; minus strand). Cytogenetic location: 12q23.3.
Variant type: single nucleotide variant.
Coding change: c.229A>G on transcript NM_213594.3 (MANE Select); coding-DNA position 229, A replaced by G.
Protein change: p.Ile77Val; replaces isoleucine 77 with valine.
Molecular consequence: missense variant.
Genome position (GRCh38, 1-based): chr12:106,654,265, A>G. VCF-style: chr12-106654265-A-G. GRCh37 (hg19) VCF-style: chr12-107048043-A-G.
Other names: c.256A>G, p.Ile86Val (NM_001206691.2); short protein forms I77V, I86V.
Identifiers: ClinVar variation 4854525 (VCV004854525.1).